The following is an entry in ClinVar:

ClinVar aggregate classification (germline): Uncertain significance (1 of 4 stars; one submission).

Conditions:
Cardiovascular phenotype. Identifiers: MedGen CN230736.

Submission:

Ambry Genetics
Classification: Uncertain significance for Cardiovascular phenotype. Last evaluated: 2023-01-20. Review status: criteria provided, single submitter. Criteria: Ambry Variant Classification Scheme 2023. Collection method: clinical testing. Allele origin: germline.
Comment: The p.R1009S variant (also known as c.3027A>T), located in coding exon 22 of the DSP gene, results from an A to T substitution at nucleotide position 3027. The arginine at codon 1009 is replaced by serine, an amino acid with dissimilar properties. This amino acid position is conserved. In addition, this alteration is predicted to be deleterious by in silico analysis. Since supporting evidence is limited at this time, the clinical significance of this alteration remains unclear.

NM_004415.4(DSP):c.3027A>T (p.Arg1009Ser)

Gene: DSP (desmoplakin; plus strand). Cytogenetic location: 6p24.3.
Variant type: single nucleotide variant.
Coding change: c.3027A>T on transcript NM_004415.4 (MANE Select); coding-DNA position 3027, A replaced by T.
Protein change: p.Arg1009Ser; replaces arginine 1009 with serine.
Molecular consequence: missense variant.
Genome position (GRCh38, 1-based): chr6:7,578,505, A>T. VCF-style: chr6-7578505-A-T. GRCh37 (hg19) VCF-style: chr6-7578738-A-T.
Other names: c.3027A>T, p.Arg1009Ser (NM_001008844.3, NM_001319034.2); short protein forms R1009S.
Identifiers: ClinVar variation 2453253 (VCV002453253.2), dbSNP rs2533919800, ClinGen allele CA362682671.